The following is an entry in ClinVar:

NM_004168.4(SDHA):c.274A>C (p.Lys92Gln)

Gene: SDHA (succinate dehydrogenase complex flavoprotein subunit A; plus strand). Cytogenetic location: 5p15.33.
Variant type: single nucleotide variant.
Coding change: c.274A>C on transcript NM_004168.4 (MANE Select); coding-DNA position 274, A replaced by C.
Protein change: p.Lys92Gln; replaces lysine 92 with glutamine.
Molecular consequence: missense variant.
Genome position (GRCh38, 1-based): chr5:224,483, A>C. VCF-style: chr5-224483-A-C. GRCh37 (hg19) VCF-style: chr5-224598-A-C.
Other names: c.274A>C, p.Lys92Gln (NM_001294332.2, NM_001330758.2); short protein forms K92Q.
Identifiers: ClinVar variation 836019 (VCV000836019.10), dbSNP rs1734892884, ClinGen allele CA359008619.
Genomic context (GRCh38, chr5:224,483, plus strand): 5'-GCAGGCTTGCGAGCTGCATTTGGCCTTTCTGAGGCAGGGTTTAATACAGCATGTGTTACC[A>C]AGCTGTTTCCTACCAGGTCACACACTGTTGCAGCACAGGTAAGAGAAAGGTGCCCCACTG-3'
Protein context (NP_004159.2, residues 82-102): EAGFNTACVT[Lys92Gln]LFPTRSHTVA

ClinVar aggregate classification (germline): Uncertain significance (1 of 4 stars; one submission).

Conditions:
Pheochromocytoma/paraganglioma syndrome 5. Also called: Paragangliomas 5; SDHA-Related Hereditary Paraganglioma-Pheochromocytoma Syndrome. Identifiers: Orphanet 29072, MedGen C3279992, MONDO:0013602, OMIM 614165.
Mitochondrial complex II deficiency, nuclear type 1. Also called: SUCCINATE CoQ REDUCTASE DEFICIENCY. Identifiers: Orphanet 3208, MedGen C5700310, MONDO:0100294, OMIM 252011.

Submission:

Labcorp Genetics (formerly Invitae), Labcorp
Classification: Uncertain significance for Pheochromocytoma/paraganglioma syndrome 5; Mitochondrial complex II deficiency, nuclear type 1. Last evaluated: 2019-11-26. Review status: criteria provided, single submitter. Criteria: Invitae Variant Classification Sherloc (09022015). Collection method: clinical testing. Allele origin: germline.
Comment: This variant is not present in population databases (ExAC no frequency). In summary, the available evidence is currently insufficient to determine the role of this variant in disease. Therefore, it has been classified as a Variant of Uncertain Significance. Algorithms developed to predict the effect of missense changes on protein structure and function (SIFT, PolyPhen-2, Align-GVGD) all suggest that this variant is likely to be disruptive, but these predictions have not been confirmed by published functional studies and their clinical significance is uncertain. This variant has not been reported in the literature in individuals with SDHA-related conditions. This sequence change replaces lysine with glutamine at codon 92 of the SDHA protein (p.Lys92Gln). The lysine residue is highly conserved and there is a small physicochemical difference between lysine and glutamine.